The following is an entry in ClinVar:

NM_000179.3(MSH6):c.1478A>C (p.Glu493Ala)

Gene: MSH6 (mutS homolog 6; plus strand). Cytogenetic location: 2p16.3.
Variant type: single nucleotide variant.
Coding change: c.1478A>C on transcript NM_000179.3 (MANE Select); coding-DNA position 1478, A replaced by C.
Protein change: p.Glu493Ala; replaces glutamic acid 493 with alanine.
Molecular consequence: missense variant.
Genome position (GRCh38, 1-based): chr2:47,799,461, A>C. VCF-style: chr2-47799461-A-C. GRCh37 (hg19) VCF-style: chr2-48026600-A-C.
Other names: c.1088A>C, p.Glu363Ala (NM_001281492.2); c.572A>C, p.Glu191Ala (NM_001281493.2, NM_001281494.2); short protein forms E191A, E363A, E493A.
Identifiers: ClinVar variation 1044775 (VCV001044775.9), dbSNP rs1669336176, ClinGen allele CA346746013.

ClinVar aggregate classification (germline): Uncertain significance (1 of 4 stars; one submission).

Conditions:
Hereditary nonpolyposis colorectal neoplasms. Identifiers: MedGen C0009405, MeSH D003123.

Submission:

Labcorp Genetics (formerly Invitae), Labcorp
Classification: Uncertain significance for Hereditary nonpolyposis colorectal neoplasms. Last evaluated: 2020-03-02. Review status: criteria provided, single submitter. Criteria: Invitae Variant Classification Sherloc (09022015). Collection method: clinical testing. Allele origin: germline.
Comment: This variant is not present in population databases (ExAC no frequency). In summary, the available evidence is currently insufficient to determine the role of this variant in disease. Therefore, it has been classified as a Variant of Uncertain Significance. Algorithms developed to predict the effect of missense changes on protein structure and function are either unavailable or do not agree on the potential impact of this missense change (SIFT: "Deleterious"; PolyPhen-2: "Probably Damaging"; Align-GVGD: "Class C15"). This variant has not been reported in the literature in individuals with MSH6-related conditions. This sequence change replaces glutamic acid with alanine at codon 493 of the MSH6 protein (p.Glu493Ala). The glutamic acid residue is moderately conserved and there is a moderate physicochemical difference between glutamic acid and alanine.